The following is an entry in ClinVar:

ClinVar aggregate classification (germline): Uncertain significance (1 of 4 stars; one submission).

Conditions:
Leber congenital amaurosis 17 (LCA17). Identifiers: Orphanet 65, MedGen C3715164, MONDO:0014145, OMIM 615360.
Klippel-Feil syndrome 1, autosomal dominant (KFS1). Also called: CERVICAL VERTEBRAL FUSION, AUTOSOMAL DOMINANT. Identifiers: Orphanet 2345, MedGen C1861689, MONDO:0007306, OMIM 118100.
Microphthalmia, isolated, with coloboma 6 (MCOPCB6). Also called: Microphthalmia with coloboma 6, digenic; Microphthalmia with coloboma 6; MICROPHTHALMIA/COLOBOMA 6. Identifiers: Orphanet 98938, MedGen C3150968, MONDO:0013376, OMIM 613703.
Isolated microphthalmia 4. Identifiers: Orphanet 2542, MedGen C2751307, MONDO:0013130, OMIM 613094.

Submission:

Labcorp Genetics (formerly Invitae), Labcorp
Classification: Uncertain significance for Isolated microphthalmia 4; Leber congenital amaurosis 17; Klippel-Feil syndrome 1, autosomal dominant; Microphthalmia, isolated, with coloboma 6. Last evaluated: 2024-10-03. Review status: criteria provided, single submitter. Criteria: Invitae Variant Classification Sherloc (09022015). Collection method: clinical testing. Allele origin: germline.
Comment: This sequence change replaces arginine, which is basic and polar, with leucine, which is neutral and non-polar, at codon 46 of the GDF6 protein (p.Arg46Leu). This variant is not present in population databases (gnomAD no frequency). This variant has not been reported in the literature in individuals affected with GDF6-related conditions. An algorithm developed to predict the effect of missense changes on protein structure and function (PolyPhen-2) suggests that this variant is likely to be disruptive. In summary, the available evidence is currently insufficient to determine the role of this variant in disease. Therefore, it has been classified as a Variant of Uncertain Significance.

NM_001001557.4(GDF6):c.137G>T (p.Arg46Leu)

Gene: GDF6 (growth differentiation factor 6; minus strand). Cytogenetic location: 8q22.1.
Variant type: single nucleotide variant.
Coding change: c.137G>T on transcript NM_001001557.4 (MANE Select); coding-DNA position 137, G replaced by T.
Protein change: p.Arg46Leu; replaces arginine 46 with leucine.
Molecular consequence: missense variant.
Genome position (GRCh38, 1-based): chr8:96,160,556, C>A on the plus strand (G>T on the coding strand, the complement: GDF6 is on the minus strand). VCF-style: chr8-96160556-C-A. GRCh37 (hg19) VCF-style: chr8-97172784-C-A.
Other names: short protein forms R46L.
Identifiers: ClinVar variation 3750423 (VCV003750423.2).